The following is an entry in ClinVar:

ClinVar aggregate classification (germline): Uncertain significance (1 of 4 stars; one submission).

Submission:

GeneDx
Classification: Uncertain significance. Last evaluated: 2020-07-15. Review status: criteria provided, single submitter. Criteria: GeneDx Variant Classification Process June 2021. Collection method: clinical testing. Allele origin: germline. Affected: yes.
Comment: Not observed in large population cohorts (Lek et al., 2016); In silico analysis supports that this missense variant does not alter protein structure/function; Has not been previously published as pathogenic or benign to our knowledge

NM_001370100.5(ZMYND11):c.1477G>C (p.Val493Leu)

Genes: ZMYND11 (zinc finger MYND-type containing 11; plus strand), LOC126860802 (BRD4-independent group 4 enhancer GRCh37_chr10:294268-295467; plus strand). Cytogenetic location: 10p15.3.
Variant type: single nucleotide variant.
Coding change: c.1477G>C on transcript NM_001370100.5 (MANE Select); coding-DNA position 1477, G replaced by C.
Protein change: p.Val493Leu; replaces valine 493 with leucine.
Molecular consequence: missense variant. On other transcripts: non-coding transcript variant (1).
Genome position (GRCh38, 1-based): chr10:248,585, G>C. VCF-style: chr10-248585-G-C. GRCh37 (hg19) VCF-style: chr10-294525-G-C.
Other names: c.1315G>C, p.Val439Leu (NM_001202464.3, NM_001202467.1, NM_001370103.2 and 6 more transcripts); c.1222G>C, p.Val408Leu (NM_001202465.3, NM_001370110.2); c.1312G>C, p.Val438Leu (NM_001202466.3, NM_001370111.2); c.1477G>C, p.Val493Leu (NM_001202468.1, NM_001370097.3, NM_001370098.2 and 4 more transcripts); c.1426G>C, p.Val476Leu (NM_001330057.3, NM_001370112.2); c.1384G>C, p.Val462Leu (NM_001370113.2, NM_001370114.2); c.1474G>C, p.Val492Leu (NM_001370115.2, NM_212479.4); c.1411G>C, p.Val471Leu (NM_001370116.2); and 8 more; short protein forms V336L, V374L, V391L, V399L, V408L, V417L, V438L, V439L.
Identifiers: ClinVar variation 1313020 (VCV001313020.2), dbSNP rs950513406, ClinGen allele CA375822979.